The following is an entry in ClinVar:

NM_001271938.2(MEGF8):c.4415C>T (p.Ala1472Val)

Gene: MEGF8 (multiple EGF like domains 8; plus strand). Cytogenetic location: 19q13.2.
Variant type: single nucleotide variant.
Coding change: c.4415C>T on transcript NM_001271938.2 (MANE Select); coding-DNA position 4415, C replaced by T.
Protein change: p.Ala1472Val; replaces alanine 1472 with valine.
Molecular consequence: missense variant.
Genome position (GRCh38, 1-based): chr19:42,356,105, C>T. VCF-style: chr19-42356105-C-T. GRCh37 (hg19) VCF-style: chr19-42860257-C-T.
Other names: c.4214C>T, p.Ala1405Val (NM_001410.3); short protein forms A1405V, A1472V.
Identifiers: ClinVar variation 2723725 (VCV002723725.5), dbSNP rs147539384, ClinGen allele CA308639320.

ClinVar aggregate classification (germline): Uncertain significance. Review status: criteria provided, multiple submitters, no conflicts (2 of 4 stars). 2 submissions from 2 submitters: Uncertain significance (2). Last evaluated 2026-06-01.

Conditions:
MEGF8-related Carpenter syndrome. Also called: Carpenter syndrome 2. Identifiers: Orphanet 65759, MedGen C3554247, MONDO:0013998, OMIM 614976.

Allele frequency attached by ClinVar (database versions not stated): TOPMed 0.00001; gnomAD 0.00003; ESP Exome Variant Server 0.00008.
gnomAD v4.1: 16 of 1,587,250 alleles (0.001%); highest among the groups gnomAD compares: Non-Finnish European, 0.0012%; no homozygotes.

Submissions (2):

CeGaT Center for Human Genetics Tuebingen
Classification: Uncertain significance. Last evaluated: 2026-06-01. Review status: criteria provided, single submitter. Criteria: CeGaT Center For Human Genetics Tuebingen Variant Classification Criteria Version 2. Collection method: clinical testing. Allele origin: germline. Affected: yes. Observed: 1 variant allele.
Comment: MEGF8: PM2

Labcorp Genetics (formerly Invitae), Labcorp
Classification: Uncertain significance for MEGF8-related Carpenter syndrome. Last evaluated: 2024-11-13. Review status: criteria provided, single submitter. Criteria: Invitae Variant Classification Sherloc (09022015). Collection method: clinical testing. Allele origin: germline.
Comment: This sequence change replaces alanine, which is neutral and non-polar, with valine, which is neutral and non-polar, at codon 1405 of the MEGF8 protein (p.Ala1405Val). This variant is present in population databases (rs147539384, gnomAD 0.004%). This variant has not been reported in the literature in individuals affected with MEGF8-related conditions. ClinVar contains an entry for this variant (Variation ID: 2723725). An algorithm developed to predict the effect of missense changes on protein structure and function outputs the following: PolyPhen-2: "Benign". The valine amino acid residue is found in multiple mammalian species, which suggests that this missense change does not adversely affect protein function. In summary, the available evidence is currently insufficient to determine the role of this variant in disease. Therefore, it has been classified as a Variant of Uncertain Significance.